The following is an entry in ClinVar:

ClinVar aggregate classification (germline): Uncertain significance (1 of 4 stars; one submission).

Conditions:
Wilms tumor 1 (WT1). Also called: Wilms tumor, somatic. Identifiers: Orphanet 654, MedGen CN033288, MONDO:0008679, OMIM 194070.

Submission:

Labcorp Genetics (formerly Invitae), Labcorp
Classification: Uncertain significance for Wilms tumor 1. Last evaluated: 2022-02-22. Review status: criteria provided, single submitter. Criteria: Invitae Variant Classification Sherloc (09022015). Collection method: clinical testing. Allele origin: germline.
Comment: In summary, the available evidence is currently insufficient to determine the role of this variant in disease. Therefore, it has been classified as a Variant of Uncertain Significance. This variant has not been reported in the literature in individuals affected with GPC3-related conditions. This variant results in a copy number gain of the genomic region encompassing exon(s) 1-6 of the GPC3 gene. This region includes the initiator codon of the gene. This copy number gain extends beyond the assayed region for this gene and therefore may encompass additional genes. As the precise location of this event is unknown, it may be in tandem or it may be located elsewhere in the genome.

NC_000023.10:g.(?_132795748)_(133119476_?)dup

Gene: GPC3 (glypican 3; minus strand). Cytogenetic location: Xq26.2.
Variant type: Duplication.
Identifiers: ClinVar variation 2425133 (VCV002425133.6).